The following is an entry in ClinVar:

NM_001377.3(DYNC2H1):c.1114C>T (p.Gln372Ter)

Gene: DYNC2H1 (dynein cytoplasmic 2 heavy chain 1; plus strand). Cytogenetic location: 11q22.3.
Variant type: single nucleotide variant.
Coding change: c.1114C>T on transcript NM_001377.3 (MANE Select); coding-DNA position 1114, C replaced by T.
Protein change: p.Gln372Ter; replaces glutamine 372 with a stop codon.
Molecular consequence: nonsense.
Genome position (GRCh38, 1-based): chr11:103,120,561, C>T. VCF-style: chr11-103120561-C-T. GRCh37 (hg19) VCF-style: chr11-102991290-C-T.
Other names: c.1114C>T, p.Gln372Ter (NM_001080463.2); short protein forms Q372*.
Identifiers: ClinVar variation 5013183 (VCV005013183.1).

ClinVar aggregate classification (germline): Pathogenic (1 of 4 stars; one submission).

Conditions:
Asphyxiating thoracic dystrophy 3. Also called: Saldino-Noonan Syndrome; SHORT-RIB THORACIC DYSPLASIA 3 WITH OR WITHOUT POLYDACTYLY; POLYDACTYLY WITH NEONATAL CHONDRODYSTROPHY, TYPE I; SHORT-RIB THORACIC DYSPLASIA 3/6 WITH POLYDACTYLY, DIGENIC; Short rib polydactyly syndrome 2B. Identifiers: Orphanet 474, Orphanet 93269, Orphanet 93270, Orphanet 93271, MedGen C0036069, MONDO:0013127, OMIM 613091.

gnomAD v4.1: 1 of 1,612,508 alleles (0.000062%); highest among the groups gnomAD compares: Non-Finnish European, 0.000085%; no homozygotes.

Submission:

Myriad Genetics, Inc.
Classification: Pathogenic for Asphyxiating thoracic dystrophy 3. Last evaluated: 2024-06-15. Review status: criteria provided, single submitter. Criteria: Myriad Autosomal Dominant, Autosomal Recessive and X-Linked Classification Criteria (2023). Collection method: clinical testing. Allele origin: unknown.
Comment: NM_001377.2(DYNC2H1):c.1114C>T(Q372*) is expected to be pathogenic in the context of DYNC2H1-related disorders. This variant is predicted to lead to an abnormal or absent protein product due to the creation of a premature termination codon in DYNC2H1, a gene where loss-of-function variants are known to be pathogenic. Please note: this variant was assessed in the context of healthy population screening.